The following is an entry in ClinVar:

NM_001768.7(CD8A):c.589C>T (p.Leu197Phe)

Gene: CD8A (CD8 subunit alpha; minus strand). Cytogenetic location: 2p11.2.
Variant type: single nucleotide variant.
Coding change: c.589C>T on transcript NM_001768.7 (MANE Select); coding-DNA position 589, C replaced by T.
Protein change: p.Leu197Phe; replaces leucine 197 with phenylalanine.
Molecular consequence: missense variant. On other transcripts: non-coding transcript variant (2), intron variant (1).
Genome position (GRCh38, 1-based): chr2:86,789,359, G>A on the plus strand (C>T on the coding strand, the complement: CD8A is on the minus strand). VCF-style: chr2-86789359-G-A. GRCh37 (hg19) VCF-style: chr2-87016482-G-A.
Other names: c.589C>T, p.Leu197Phe (NM_001145873.1, NM_001382698.1); c.514+281C>T (NM_171827.4); short protein forms L197F.
Identifiers: ClinVar variation 4691821 (VCV004691821.1).

ClinVar aggregate classification (germline): Uncertain significance (1 of 4 stars; one submission).

Conditions:
Susceptibility to respiratory infections associated with CD8alpha chain mutation (IMD116). Also called: Cd8 deficiency, familial; IMMUNODEFICIENCY 116. Identifiers: Orphanet 169085, MedGen C1837065, MONDO:0012161, OMIM 608957.

gnomAD v4.1: 3 of 1,613,406 alleles (0.00019%); highest among the groups gnomAD compares: Admixed American, 0.0017%; no homozygotes.

Submission:

Labcorp Genetics (formerly Invitae), Labcorp
Classification: Uncertain significance for Susceptibility to respiratory infections associated with CD8alpha chain mutation. Last evaluated: 2026-01-19. Review status: criteria provided, single submitter. Criteria: Invitae Variant Classification Sherloc (09022015). Collection method: clinical testing. Allele origin: germline.
Comment: This sequence change replaces leucine, which is neutral and non-polar, with phenylalanine, which is neutral and non-polar, at codon 197 of the CD8A protein (p.Leu197Phe). This variant is present in population databases (no rsID available, gnomAD no frequency). This variant has not been reported in the literature in individuals affected with CD8A-related conditions. An algorithm developed to predict the effect of missense changes on protein structure and function (PolyPhen-2) suggests that this variant is likely to be tolerated. In summary, the available evidence is currently insufficient to determine the role of this variant in disease. Therefore, it has been classified as a Variant of Uncertain Significance.